The following is an entry in ClinVar:

ClinVar aggregate classification (germline): Uncertain significance (1 of 4 stars; one submission).

Submission:

Quest Diagnostics Nichols Institute San Juan Capistrano
Classification: Uncertain significance. Last evaluated: 2024-05-28. Review status: criteria provided, single submitter. Criteria: Quest Diagnostics criteria. Collection method: clinical testing. Allele origin: unknown.
Comment: The frequency of this variant in the general population, 0.0000095 (2/209524 chromosomes (Genome Aggregation Database)), is uninformative in the assessment of its pathogenicity. Based on the available information, we are unable to determine the clinical significance of this variant.

Literature cited by the submitters: PubMed 36226750; PubMed 36099017.

NM_000558.5(HBA1):c.16G>A (p.Ala6Thr)

Genes: HBA1 (hemoglobin subunit alpha 1; plus strand), LOC106804613 (hemoglobin subunit alpha 1 recombination region; plus strand). Cytogenetic location: 16p13.3.
Variant type: single nucleotide variant.
Coding change: c.16G>A on transcript NM_000558.5 (MANE Select); coding-DNA position 16, G replaced by A.
Protein change: p.Ala6Thr; replaces alanine 6 with threonine.
Molecular consequence: missense variant.
Genome position (GRCh38, 1-based): chr16:176,732, G>A. VCF-style: chr16-176732-G-A. GRCh37 (hg19) VCF-style: chr16-226731-G-A.
Other names: short protein forms A6T.
Identifiers: ClinVar variation 3572193 (VCV003572193.1).